The following is an entry in ClinVar:

ClinVar aggregate classification (germline): Conflicting classifications of pathogenicity. Review status: criteria provided, conflicting classifications (1 of 4 stars). 2 submissions from 2 submitters: Uncertain significance (1); Likely benign (1). Last evaluated 2024-09-24.

Allele frequency attached by ClinVar (database versions not stated): TOPMed 0.00003; gnomAD 0.00005; ExAC 0.00019; 1000 Genomes Project 30x 0.00021; 1000 Genomes Project 0.00026.
gnomAD v4.1: 67 of 1,199,920 alleles (0.0056%); highest among the groups gnomAD compares: South Asian, 0.099%; 2 homozygotes.

Submissions (2):

Ambry Genetics
Classification: Uncertain significance. Last evaluated: 2024-09-24. Review status: criteria provided, single submitter. Criteria: Ambry Variant Classification Scheme 2023. Collection method: clinical testing. Allele origin: germline.

CeGaT Center for Human Genetics Tuebingen
Classification: Likely benign. Last evaluated: 2022-11-01. Review status: criteria provided, single submitter. Criteria: CeGaT Center For Human Genetics Tuebingen Variant Classification Criteria Version 2. Collection method: clinical testing. Allele origin: germline. Affected: yes. Observed: 1 variant allele.
Comment: PLXNB3: BS2

NM_005393.3(PLXNB3):c.3080G>A (p.Arg1027Gln)

Gene: PLXNB3 (plexin B3; plus strand). Cytogenetic location: Xq28.
Variant type: single nucleotide variant.
Coding change: c.3080G>A on transcript NM_005393.3 (MANE Select); coding-DNA position 3080, G replaced by A.
Protein change: p.Arg1027Gln; replaces arginine 1027 with glutamine.
Molecular consequence: missense variant.
Genome position (GRCh38, 1-based): chrX:153,773,403, G>A. VCF-style: chrX-153773403-G-A. GRCh37 (hg19) VCF-style: chrX-153038858-G-A.
Other names: c.3149G>A (NM_001163257.1); c.3149G>A, p.Arg1050Gln (NM_001163257.2); short protein forms R1027Q, R1050Q.
Identifiers: ClinVar variation 2661724 (VCV002661724.25), dbSNP rs782328918, ClinGen allele CA337234060.